The following is an entry in ClinVar:

ClinVar aggregate classification (germline): Conflicting classifications of pathogenicity. Review status: criteria provided, conflicting classifications (1 of 4 stars). 3 submissions from 3 submitters: Uncertain significance (2); Likely benign (1). Last evaluated 2025-09-10.

Conditions:
Hereditary cancer-predisposing syndrome. Also called: Neoplastic Syndromes, Hereditary; Tumor predisposition; Hereditary Cancer Syndrome; Hereditary neoplastic syndrome. Identifiers: Orphanet 140162, MedGen C0027672, MeSH D009386, MONDO:0015356.
Familial meningioma. Also called: Meningioma, familial, susceptibility to. Identifiers: Orphanet 263662, MedGen C3551915, MONDO:0011789, OMIM 607174.

Allele frequency attached by ClinVar (database versions not stated): gnomAD exomes below 0.00001 and 0.00001; gnomAD 0.00001; ExAC 0.00002.
gnomAD v4.1: 2 of 1,613,916 alleles (0.00012%); highest among the groups gnomAD compares: East Asian, 0.0022%; no homozygotes.

Submissions (3):

Labcorp Genetics (formerly Invitae), Labcorp
Classification: Uncertain significance for Familial meningioma. Last evaluated: 2025-09-10. Review status: criteria provided, single submitter. Criteria: Invitae Variant Classification Sherloc (09022015). Collection method: clinical testing. Allele origin: germline.
Comment: This sequence change replaces valine, which is neutral and non-polar, with alanine, which is neutral and non-polar, at codon 319 of the SMARCE1 protein (p.Val319Ala). This variant is present in population databases (rs758831830, gnomAD 0.01%). This variant has not been reported in the literature in individuals affected with SMARCE1-related conditions. ClinVar contains an entry for this variant (Variation ID: 650600). Invitae Evidence Modeling of protein sequence and biophysical properties (such as structural, functional, and spatial information, amino acid conservation, physicochemical variation, residue mobility, and thermodynamic stability) indicates that this missense variant is not expected to disrupt SMARCE1 protein function with a negative predictive value of 80%. In summary, the available evidence is currently insufficient to determine the role of this variant in disease. Therefore, it has been classified as a Variant of Uncertain Significance.

GeneDx
Classification: Uncertain significance. Last evaluated: 2023-06-26. Review status: criteria provided, single submitter. Criteria: GeneDx Variant Classification Process June 2021. Collection method: clinical testing. Allele origin: germline. Affected: yes.
Comment: In silico analysis supports that this missense variant does not alter protein structure/function; Has not been previously published as pathogenic or benign to our knowledge

Ambry Genetics
Classification: Likely benign for Hereditary cancer-predisposing syndrome. Last evaluated: 2022-09-27. Review status: criteria provided, single submitter. Criteria: Ambry Variant Classification Scheme 2023. Collection method: clinical testing. Allele origin: germline.

NM_003079.5(SMARCE1):c.956T>C (p.Val319Ala)

Gene: SMARCE1 (SWI/SNF related BAF chromatin remodeling complex subunit E1; minus strand). Cytogenetic location: 17q21.2.
Variant type: single nucleotide variant.
Coding change: c.956T>C on transcript NM_003079.5 (MANE Select); coding-DNA position 956, T replaced by C.
Protein change: p.Val319Ala; replaces valine 319 with alanine.
Molecular consequence: missense variant.
Genome position (GRCh38, 1-based): chr17:40,630,785, A>G on the plus strand (T>C on the coding strand, the complement: SMARCE1 is on the minus strand). VCF-style: chr17-40630785-A-G. GRCh37 (hg19) VCF-style: chr17-38787037-A-G.
Other names: short protein forms V319A.
Identifiers: ClinVar variation 650600 (VCV000650600.14), dbSNP rs758831830, ClinGen allele CA8545128.